The following is an entry in ClinVar:

ClinVar aggregate classification (germline): Pathogenic (1 of 4 stars; one submission).

Conditions:
FRAXE. Also called: Fragile XE syndrome; FRAXE Syndrome; FRAXE intellectual disability; Intellectual developmental disorder, X-linked 109; Intellectual disability, X-linked, FRAXE type. Identifiers: Orphanet 100973, MedGen C0751157, MONDO:0010659, OMIM 309548. Disease mechanism: loss of function.

gnomAD v4.1: 1 of 1,211,247 alleles (0.000083%); highest among the groups gnomAD compares: East Asian, 0.003%; no homozygotes.

Submission:

Myriad Genetics, Inc.
Classification: Pathogenic for FRAXE. Last evaluated: 2024-05-21. Review status: criteria provided, single submitter. Criteria: Myriad Autosomal Dominant, Autosomal Recessive and X-Linked Classification Criteria (2023). Collection method: clinical testing. Allele origin: unknown.
Comment: NM_002025.3(AFF2):c.2377C>T(R793*) is expected to be pathogenic in the context of fragile XE syndrome. This variant is predicted to lead to an abnormal or absent protein product due to the creation of a premature termination codon in AFF2, a gene where loss-of-function variants are known to be pathogenic. Please note: this variant was assessed in the context of healthy population screening.

NM_002025.4(AFF2):c.2377C>T (p.Arg793Ter)

Gene: AFF2 (ALF transcription elongation factor 2; plus strand). Cytogenetic location: Xq28.
Variant type: single nucleotide variant.
Coding change: c.2377C>T on transcript NM_002025.4 (MANE Select); coding-DNA position 2377, C replaced by T.
Protein change: p.Arg793Ter; replaces arginine 793 with a stop codon.
Molecular consequence: nonsense.
Genome position (GRCh38, 1-based): chrX:148,956,422, C>T. VCF-style: chrX-148956422-C-T. GRCh37 (hg19) VCF-style: chrX-148037952-C-T.
Other names: c.2278C>T, p.Arg760Ter (NM_001169122.2); c.2347C>T, p.Arg783Ter (NM_001169123.2); c.2272C>T, p.Arg758Ter (NM_001169124.2); c.2260C>T, p.Arg754Ter (NM_001169125.2); c.1300C>T, p.Arg434Ter (NM_001170628.1); short protein forms R434*, R754*, R758*, R760*, R783*, R793*.
Identifiers: ClinVar variation 5013086 (VCV005013086.1).
Genomic context (GRCh38, chrX:148,956,422, plus strand): 5'-AATGAAGAGCCAACATTTTCACCTATTCCTGTCATGCAAACTGAAATCCTGTCCCCTCTG[C>T]GAGATCATGAGAACCTGAAAAACCTCTGGGTGAAGATTGACCTTGACTTACTCTCTAGAG-3'